The following is an entry in ClinVar:

ClinVar aggregate classification (germline): Pathogenic (1 of 4 stars; one submission).

Conditions:
ENPP1-related disorder. Also called: ENPP1-related condition; ENPP1-related disorders.

gnomAD v4.1: 1 of 1,612,854 alleles (0.000062%); highest among the groups gnomAD compares: Non-Finnish European, 0.000085%; no homozygotes.

Submission:

Women's Health and Genetics/Laboratory Corporation of America, LabCorp
Classification: Pathogenic for ENPP1-Related Disorders. Last evaluated: 2026-04-20. Review status: criteria provided, single submitter. Criteria: LabCorp Variant Classification Summary - May 2015. Collection method: clinical testing. Allele origin: germline.
Comment: Variant summary: ENPP1 c.936T>G (p.Tyr312X) results in a premature termination codon, predicted to cause a truncation of the encoded protein or absence of the protein due to nonsense mediated decay, which are commonly known mechanisms for disease. The variant was absent in 251278 control chromosomes (gnomAD). c.936T>G has been observed in at least one individual affected with idiopathic infantile arterial calcification (Rutsch_2003). To our knowledge, no experimental evidence demonstrating an impact on protein function has been reported. The following publication have been ascertained in the context of this evaluation (PMID: 12881724). No submitters have cited clinical-significance assessments for this variant to ClinVar. Based on the evidence outlined above, the variant was classified as pathogenic.

Literature cited by the submitters: PubMed 12881724.

NM_006208.3(ENPP1):c.936T>G (p.Tyr312Ter)

Gene: ENPP1 (ectonucleotide pyrophosphatase/phosphodiesterase 1; plus strand). Cytogenetic location: 6q23.2.
Variant type: single nucleotide variant.
Coding change: c.936T>G on transcript NM_006208.3 (MANE Select); coding-DNA position 936, T replaced by G.
Protein change: p.Tyr312Ter; replaces tyrosine 312 with a stop codon.
Molecular consequence: nonsense.
Genome position (GRCh38, 1-based): chr6:131,861,615, T>G. VCF-style: chr6-131861615-T-G. GRCh37 (hg19) VCF-style: chr6-132182755-T-G.
Other names: short protein forms Y312*.
Identifiers: ClinVar variation 4848402 (VCV004848402.1).